The following is an entry in ClinVar:

ClinVar aggregate classification (germline): Uncertain significance. Review status: criteria provided, multiple submitters, no conflicts (2 of 4 stars). 4 submissions from 4 submitters: Uncertain significance (4). Last evaluated 2026-04-27.

Conditions:
Mitochondrial complex II deficiency, nuclear type 1. Also called: SUCCINATE CoQ REDUCTASE DEFICIENCY. Identifiers: Orphanet 3208, MedGen C5700310, MONDO:0100294, OMIM 252011.
Pheochromocytoma/paraganglioma syndrome 5. Also called: Paragangliomas 5; SDHA-Related Hereditary Paraganglioma-Pheochromocytoma Syndrome. Identifiers: Orphanet 29072, MedGen C3279992, MONDO:0013602, OMIM 614165.
Neurodegeneration with ataxia and late-onset optic atrophy. Identifiers: MedGen C5543254, MONDO:0031006, OMIM 619259.
Dilated cardiomyopathy 1GG (CMD1GG). Identifiers: Orphanet 154, MedGen C3150898, MONDO:0013339, OMIM 613642.
Hereditary cancer-predisposing syndrome. Also called: Neoplastic Syndromes, Hereditary; Tumor predisposition; Hereditary Cancer Syndrome; Hereditary neoplastic syndrome. Identifiers: Orphanet 140162, MedGen C0027672, MeSH D009386, MONDO:0015356.

Allele frequency attached by ClinVar (database versions not stated): TOPMed 0.00001.

Submissions (4):

Clinical Genomics Laboratory, Washington University in St. Louis
Classification: Uncertain significance for Mitochondrial complex II deficiency, nuclear type 1; Dilated cardiomyopathy 1GG; Neurodegeneration with ataxia and late-onset optic atrophy; Pheochromocytoma/paraganglioma syndrome 5. Last evaluated: 2026-04-27. Review status: criteria provided, single submitter. Criteria: ACMG Guidelines, 2015. Collection method: clinical testing. Allele origin: germline.
Comment: An SDHA c.1738T>C (p.Tyr580His) variant was identified in a heterozygous state. This variant, to our knowledge, has not been reported in the medical literature. It has been reported in the ClinVar database as a germline variant of uncertain significance by three submitters (Variation ID: 539658). It is absent from the general population (gnomAD v2.1.1), indicating it is not a common variant. Computational predictors are uncertain as to the impact of this variant on SDHA function. Due to limited information, and based on ACMG/AMP guidelines for variant interpretation (Richards S et al., PMID: 25741868), the clinical significance of this variant is uncertain at this time.

Labcorp Genetics (formerly Invitae), Labcorp
Classification: Uncertain significance for Pheochromocytoma/paraganglioma syndrome 5; Mitochondrial complex II deficiency, nuclear type 1. Last evaluated: 2025-11-18. Review status: criteria provided, single submitter. Criteria: Invitae Variant Classification Sherloc (09022015). Collection method: clinical testing. Allele origin: germline.
Comment: This sequence change replaces tyrosine, which is neutral and polar, with histidine, which is basic and polar, at codon 580 of the SDHA protein (p.Tyr580His). This variant is not present in population databases (gnomAD no frequency). This variant has not been reported in the literature in individuals affected with SDHA-related conditions. ClinVar contains an entry for this variant (Variation ID: 539658). Invitae Evidence Modeling of protein sequence and biophysical properties (such as structural, functional, and spatial information, amino acid conservation, physicochemical variation, residue mobility, and thermodynamic stability) indicates that this missense variant is not expected to disrupt SDHA protein function with a negative predictive value of 95%. In summary, the available evidence is currently insufficient to determine the role of this variant in disease. Therefore, it has been classified as a Variant of Uncertain Significance.

Quest Diagnostics Nichols Institute San Juan Capistrano
Classification: Uncertain significance. Last evaluated: 2024-11-25. Review status: criteria provided, single submitter. Criteria: Quest Diagnostics criteria. Collection method: clinical testing. Allele origin: unknown.
Comment: The SDHA c.1738T>C (p.Tyr580His) variant has not been reported in individuals with SDHA-related conditions in the published literature. It also has not been reported in large, multi-ethnic general populations (Genome Aggregation Database). Analysis of this variant using bioinformatics tools for the prediction of the effect of amino acid changes on protein structure and function yielded predictions that this variant is benign. Based on the available information, we are unable to determine the clinical significance of this variant.

Ambry Genetics
Classification: Uncertain significance for Hereditary cancer-predisposing syndrome. Last evaluated: 2024-06-05. Review status: criteria provided, single submitter. Criteria: Ambry Variant Classification Scheme 2023. Collection method: clinical testing. Allele origin: germline.
Comment: The p.Y580H variant (also known as c.1738T>C), located in coding exon 13 of the SDHA gene, results from a T to C substitution at nucleotide position 1738. The tyrosine at codon 580 is replaced by histidine, an amino acid with similar properties. This amino acid position is not well conserved in available vertebrate species. In addition, the in silico prediction for this alteration is inconclusive. Based on the available evidence, the clinical significance of this variant remains unclear.

NM_004168.4(SDHA):c.1738T>C (p.Tyr580His)

Gene: SDHA (succinate dehydrogenase complex flavoprotein subunit A; plus strand). Cytogenetic location: 5p15.33.
Variant type: single nucleotide variant.
Coding change: c.1738T>C on transcript NM_004168.4 (MANE Select); coding-DNA position 1738, T replaced by C.
Protein change: p.Tyr580His; replaces tyrosine 580 with histidine.
Molecular consequence: missense variant. On other transcripts: intron variant (1).
Genome position (GRCh38, 1-based): chr5:251,412, T>C. VCF-style: chr5-251412-T-C. GRCh37 (hg19) VCF-style: chr5-251527-T-C.
Other names: c.1594T>C, p.Tyr532His (NM_001294332.2); c.1552-2981T>C (NM_001330758.2); short protein forms Y580H, Y532H.
Identifiers: ClinVar variation 539658 (VCV000539658.14), dbSNP rs1042056, ClinGen allele CA359000197.